The following is an entry in ClinVar:

NM_001184.4(ATR):c.2371A>G (p.Lys791Glu)

Gene: ATR (ATR checkpoint kinase; minus strand). Cytogenetic location: 3q23.
Variant type: single nucleotide variant.
Coding change: c.2371A>G on transcript NM_001184.4 (MANE Select); coding-DNA position 2371, A replaced by G.
Protein change: p.Lys791Glu; replaces lysine 791 with glutamic acid.
Molecular consequence: missense variant.
Genome position (GRCh38, 1-based): chr3:142,553,986, T>C on the plus strand (A>G on the coding strand, the complement: ATR is on the minus strand). VCF-style: chr3-142553986-T-C. GRCh37 (hg19) VCF-style: chr3-142272828-T-C.
Other names: c.2179A>G, p.Lys727Glu (NM_001354579.2); short protein forms K727E, K791E.
Identifiers: ClinVar variation 1790304 (VCV001790304.2), dbSNP rs750056041, ClinGen allele CA2650371.
Genomic context (GRCh38, chr3:142,553,986, plus strand): 5'-TTAATAAAGTTCCAAGAACTGCTTTTACATCTGTTTCATCTTCTCTAAAATCAAGATGCT[T>C]ACAAAGATGATGTAGATTATCTATGAAAGCTGAAGGACAAGAGTATACAATACCTAATTT-3'
Protein context (NP_001175.2, residues 781-801): AFIDNLHHLC[Lys791Glu]HLDFREDETD

ClinVar aggregate classification (germline): Uncertain significance (1 of 4 stars; one submission).

Conditions:
Inborn genetic diseases. Identifiers: MedGen C0950123, MeSH D030342.

Allele frequency attached by ClinVar (database versions not stated): ExAC 0.00001.
gnomAD v4.1: 3 of 1,609,292 alleles (0.00019%); highest among the groups gnomAD compares: Non-Finnish European, 0.00025%; no homozygotes.

Submission:

Ambry Genetics
Classification: Uncertain significance for Inborn genetic diseases. Last evaluated: 2021-12-14. Review status: criteria provided, single submitter. Criteria: Ambry Variant Classification Scheme 2023. Collection method: clinical testing. Allele origin: germline.
Comment: The p.K791E variant (also known as c.2371A>G), located in coding exon 11 of the ATR gene, results from an A to G substitution at nucleotide position 2371. The lysine at codon 791 is replaced by glutamic acid, an amino acid with similar properties. This amino acid position is conserved. In addition, this alteration is predicted to be tolerated by in silico analysis. Since supporting evidence is limited at this time, the clinical significance of this alteration remains unclear.